The following is an entry in ClinVar:

NM_001371623.1(TCOF1):c.925G>C (p.Gly309Arg)

Gene: TCOF1 (treacle ribosome biogenesis factor 1; plus strand). Cytogenetic location: 5q32.
Variant type: single nucleotide variant.
Coding change: c.925G>C on transcript NM_001371623.1 (MANE Select); coding-DNA position 925, G replaced by C.
Protein change: p.Gly309Arg; replaces glycine 309 with arginine.
Molecular consequence: missense variant.
Genome position (GRCh38, 1-based): chr5:150,374,228, G>C. VCF-style: chr5-150374228-G-C. GRCh37 (hg19) VCF-style: chr5-149753791-G-C.
Other names: c.694G>C, p.Gly232Arg (NM_000356.4, NM_001135245.2, NM_001437406.1); c.925G>C, p.Gly309Arg (NM_001008657.3, NM_001135243.2, NM_001135244.2 and 1 more transcripts); short protein forms G232R, G309R.
Identifiers: ClinVar variation 4980862 (VCV004980862.1).

ClinVar aggregate classification (germline): Uncertain significance (1 of 4 stars; one submission).

Conditions:
TCOF1-related disorder. Also called: TCOF1-related condition.

gnomAD v4.1: 23 of 1,612,294 alleles (0.0014%); highest among the groups gnomAD compares: Non-Finnish European, 0.0018%; no homozygotes.

Submission:

PreventionGenetics, part of Exact Sciences
Classification: Uncertain significance for TCOF1-related condition. Last evaluated: 2026-04-28. Review status: criteria provided, single submitter. Criteria: ACMG Guidelines, 2015. Collection method: clinical testing. Allele origin: germline.
Comment: The TCOF1 c.925G>C variant is predicted to result in the amino acid substitution p.Gly309Arg. To our knowledge, this variant has not been reported in the literature. This variant is reported in 0.0029% of alleles in individuals of Latino descent in gnomAD. At this time, the clinical significance of this variant is uncertain due to the absence of conclusive functional and genetic evidence.